The following is an entry in ClinVar:

ClinVar aggregate classification (germline): Conflicting classifications of pathogenicity. Review status: criteria provided, conflicting classifications (1 of 4 stars). 2 submissions from 2 submitters: Likely pathogenic (1); Uncertain significance (1). Last evaluated 2023-09-10.

Conditions:
Mucopolysaccharidosis type 7 (MPS7). Also called: MPS VII; BETA-GLUCURONIDASE DEFICIENCY; GUSB DEFICIENCY; SLY SYNDROME. Identifiers: Orphanet 584, MedGen C0085132, MONDO:0009662, OMIM 253220.

Allele frequency attached by ClinVar (database versions not stated): gnomAD 0.00001 and 0.00002; ExAC 0.00002; TOPMed 0.00002; gnomAD exomes 0.00001 and 0.00003.
gnomAD v4.1: 51 of 1,613,982 alleles (0.0032%); highest among the groups gnomAD compares: Non-Finnish European, 0.004%; no homozygotes.

Submissions (2):

GeneDx
Classification: Likely pathogenic. Last evaluated: 2023-09-10. Review status: criteria provided, single submitter. Criteria: GeneDx Variant Classification Process June 2021. Collection method: clinical testing. Allele origin: germline.
Comment: In silico analysis supports that this missense variant has a deleterious effect on protein structure/function; Not observed at a significant frequency in large population cohorts (gnomAD); This variant is associated with the following publications: (PMID: 30091163, 34686181)

Labcorp Genetics (formerly Invitae), Labcorp
Classification: Uncertain significance for Mucopolysaccharidosis type 7. Last evaluated: 2021-09-24. Review status: criteria provided, single submitter. Criteria: Invitae Variant Classification Sherloc (09022015). Collection method: clinical testing. Allele origin: germline.
Comment: This sequence change replaces alanine with valine at codon 442 of the GUSB protein (p.Ala442Val). The alanine residue is moderately conserved and there is a small physicochemical difference between alanine and valine. This variant is present in population databases (rs763845326, ExAC 0.003%). This variant has not been reported in the literature in individuals affected with GUSB-related conditions. Algorithms developed to predict the effect of missense changes on protein structure and function are either unavailable or do not agree on the potential impact of this missense change (SIFT: "Deleterious"; PolyPhen-2: "Possibly Damaging"; Align-GVGD: "Class C0"). In summary, the available evidence is currently insufficient to determine the role of this variant in disease. Therefore, it has been classified as a Variant of Uncertain Significance.

NM_000181.4(GUSB):c.1325C>T (p.Ala442Val)

Gene: GUSB (glucuronidase beta; minus strand). Cytogenetic location: 7q11.21.
Variant type: single nucleotide variant.
Coding change: c.1325C>T on transcript NM_000181.4 (MANE Select); coding-DNA position 1325, C replaced by T.
Protein change: p.Ala442Val; replaces alanine 442 with valine.
Molecular consequence: missense variant. On other transcripts: non-coding transcript variant (1).
Genome position (GRCh38, 1-based): chr7:65,974,361, G>A on the plus strand (C>T on the coding strand, the complement: GUSB is on the minus strand). VCF-style: chr7-65974361-G-A. GRCh37 (hg19) VCF-style: chr7-65439348-G-A.
Other names: c.887C>T, p.Ala296Val (NM_001284290.2); c.755C>T, p.Ala252Val (NM_001293104.2); c.668C>T, p.Ala223Val (NM_001293105.2); short protein forms A442V, A296V, A223V, A252V.
Identifiers: ClinVar variation 1488041 (VCV001488041.6), dbSNP rs763845326, ClinGen allele CA4276303.